The following is an entry in ClinVar:

ClinVar aggregate classification (germline): Likely benign (1 of 4 stars; one submission).

gnomAD v4.1: 35 of 1,612,600 alleles (0.0022%); highest among the groups gnomAD compares: Admixed American, 0.015%; no homozygotes.

Submission:

CeGaT Center for Human Genetics Tuebingen
Classification: Likely benign. Last evaluated: 2024-12-01. Review status: criteria provided, single submitter. Criteria: CeGaT Center For Human Genetics Tuebingen Variant Classification Criteria Version 2. Collection method: clinical testing. Allele origin: germline. Affected: yes. Observed: 1 variant allele.
Comment: MYO1C: BS2

NM_001080779.2(MYO1C):c.313C>T (p.Arg105Cys)

Gene: MYO1C (myosin IC; minus strand). Cytogenetic location: 17p13.3.
Variant type: single nucleotide variant.
Coding change: c.313C>T on transcript NM_001080779.2 (MANE Select); coding-DNA position 313, C replaced by T.
Protein change: p.Arg105Cys; replaces arginine 105 with cysteine.
Molecular consequence: missense variant.
Genome position (GRCh38, 1-based): chr17:1,483,644, G>A on the plus strand (C>T on the coding strand, the complement: MYO1C is on the minus strand). VCF-style: chr17-1483644-G-A. GRCh37 (hg19) VCF-style: chr17-1386938-G-A.
Other names: c.256C>T, p.Arg86Cys (NM_001080950.2); c.241C>T, p.Arg81Cys (NM_001363855.1); c.208C>T, p.Arg70Cys (NM_033375.5); short protein forms R105C, R70C, R81C, R86C.
Identifiers: ClinVar variation 3771550 (VCV003771550.13).